The following is an entry in ClinVar:

NM_005548.3(KARS1):c.1393C>T (p.His465Tyr)

Genes: KARS1 (lysyl-tRNA synthetase 1; minus strand), LOC126862402 (CDK7 strongly-dependent group 2 enhancer GRCh37_chr16:75663368-75664567; plus strand). Cytogenetic location: 16q23.1.
Variant type: single nucleotide variant.
Coding change: c.1393C>T on transcript NM_005548.3 (MANE Select); coding-DNA position 1393, C replaced by T.
Protein change: p.His465Tyr; replaces histidine 465 with tyrosine.
Molecular consequence: missense variant.
Genome position (GRCh38, 1-based): chr16:75,630,454, G>A on the plus strand (C>T on the coding strand, the complement: KARS1 is on the minus strand). VCF-style: chr16-75630454-G-A. GRCh37 (hg19) VCF-style: chr16-75664352-G-A.
Other names: c.1477C>T, p.His493Tyr (NM_001130089.2); c.925C>T, p.His309Tyr (NM_001378148.1); short protein forms H309Y, H465Y, H493Y.
Identifiers: ClinVar variation 3361364 (VCV003361364.1).
Genomic context (GRCh38, chr16:75,630,454, plus strand): 5'-TATGCAGCAATAGGTAACTGGAATCTTACCATTTAGCCAAAGGGCTCATTATCTGTGGGT[G>A]ATCACAGATGAATGTAGGATTGATGCAAGTCACTTCCAGGAACTCCCCAACAAGCTTAAT-3'
Protein context (NP_005539.1, residues 455-475): TCINPTFICD[His465Tyr]PQIMSPLAKW

ClinVar aggregate classification (germline): Uncertain significance (1 of 4 stars; one submission).

gnomAD v4.1: 2 of 1,609,832 alleles (0.00012%); highest among the groups gnomAD compares: South Asian, 0.0011%; no homozygotes.

Submission:

GeneDx
Classification: Uncertain significance. Last evaluated: 2023-07-25. Review status: criteria provided, single submitter. Criteria: GeneDx Variant Classification Process June 2021. Collection method: clinical testing. Allele origin: germline. Affected: yes.
Comment: Not observed at significant frequency in large population cohorts (gnomAD); In silico analysis supports that this missense variant has a deleterious effect on protein structure/function; Has not been previously published as pathogenic or benign to our knowledge